The following is an entry in ClinVar:

ClinVar aggregate classification (germline): Uncertain significance. Review status: criteria provided, single submitter (1 of 4 stars). 2 submissions from 2 submitters: Uncertain significance (1). 1 of the submissions does not count toward it. Last evaluated 2023-03-21.

Conditions:
Langereis blood group. Also called: LANGEREIS BLOOD GROUP SYSTEM, LAN(-) PHENOTYPE. Identifiers: MedGen C3276339, OMIM 111600.

Allele frequency attached by ClinVar (database versions not stated): TOPMed 0.00004; ESP Exome Variant Server 0.00008; ExAC 0.00011; gnomAD 0.00014; gnomAD exomes 0.00014 and 0.00016; 1000 Genomes Project 30x 0.00016; 1000 Genomes Project 0.00020.
gnomAD v4.1: 228 of 1,612,926 alleles (0.014%); highest among the groups gnomAD compares: Non-Finnish European, 0.014%; no homozygotes.

Submissions (2):

Labcorp Genetics (formerly Invitae), Labcorp
Classification: Uncertain significance. Last evaluated: 2023-03-21. Review status: criteria provided, single submitter. Criteria: Invitae Variant Classification Sherloc (09022015). Collection method: clinical testing. Allele origin: germline.
Comment: In summary, the available evidence is currently insufficient to determine the role of this variant in disease. Therefore, it has been classified as a Variant of Uncertain Significance. ClinVar contains an entry for this variant (Variation ID: 30477). This premature translational stop signal has been observed in individual(s) with blood group Langereis (PMID: 22246506). This variant is present in population databases (rs148458820, gnomAD 0.1%), and has an allele count higher than expected for a pathogenic variant. This sequence change creates a premature translational stop signal (p.Trp239*) in the ABCB6 gene. It is expected to result in an absent or disrupted protein product. However, the current clinical and genetic evidence is not sufficient to establish whether loss-of-function variants in ABCB6 cause disease.

OMIM
Classification: Affects for LANGEREIS BLOOD GROUP SYSTEM, LAN(-) PHENOTYPE. Last evaluated: 2012-01-15. Review status: no assertion criteria provided. Collection method: literature only. Allele origin: germline. Not counted in ClinVar's aggregate classification.

Literature cited by the submitters: PubMed 22246506 (cited by Labcorp Genetics (formerly Invitae), Labcorp and OMIM).

NM_005689.4(ABCB6):c.717G>A (p.Trp239Ter)

Gene: ABCB6 (ATP binding cassette subfamily B member 6 (LAN blood group); minus strand). Cytogenetic location: 2q35.
Variant type: single nucleotide variant.
Coding change: c.717G>A on transcript NM_005689.4 (MANE Select); coding-DNA position 717, G replaced by A.
Protein change: p.Trp239Ter; replaces tryptophan 239 with a stop codon.
Molecular consequence: nonsense.
Genome position (GRCh38, 1-based): chr2:219,216,803, C>T on the plus strand (G>A on the coding strand, the complement: ABCB6 is on the minus strand). VCF-style: chr2-219216803-C-T. GRCh37 (hg19) VCF-style: chr2-220081525-C-T.
Other names: Q239*; c.579G>A, p.Trp193Ter (NM_001349828.2); short protein forms W239*, W193*.
Identifiers: ClinVar variation 30477 (VCV000030477.5), dbSNP rs148458820, ClinGen allele CA2119657.